The following is an entry in ClinVar:

ClinVar aggregate classification (germline): Uncertain significance (1 of 4 stars; one submission).

gnomAD v4.1: 1 of 1,613,948 alleles (0.000062%); highest among the groups gnomAD compares: Non-Finnish European, 0.000085%; no homozygotes.

Submission:

Labcorp Genetics (formerly Invitae), Labcorp
Classification: Uncertain significance. Last evaluated: 2024-04-09. Review status: criteria provided, single submitter. Criteria: Invitae Variant Classification Sherloc (09022015). Collection method: clinical testing. Allele origin: germline.
Comment: This sequence change replaces lysine, which is basic and polar, with arginine, which is basic and polar, at codon 255 of the DNM1L protein (p.Lys255Arg). This variant is not present in population databases (gnomAD no frequency). This variant has not been reported in the literature in individuals affected with DNM1L-related conditions. An algorithm developed to predict the effect of missense changes on protein structure and function (PolyPhen-2) suggests that this variant is likely to be tolerated. In summary, the available evidence is currently insufficient to determine the role of this variant in disease. Therefore, it has been classified as a Variant of Uncertain Significance.

NM_012062.5(DNM1L):c.764A>G (p.Lys255Arg)

Gene: DNM1L (dynamin 1 like; plus strand). Cytogenetic location: 12p11.21.
Variant type: single nucleotide variant.
Coding change: c.764A>G on transcript NM_012062.5 (MANE Select); coding-DNA position 764, A replaced by G.
Protein change: p.Lys255Arg; replaces lysine 255 with arginine.
Molecular consequence: missense variant.
Genome position (GRCh38, 1-based): chr12:32,720,687, A>G. VCF-style: chr12-32720687-A-G. GRCh37 (hg19) VCF-style: chr12-32873621-A-G.
Other names: c.764A>G, p.Lys255Arg (NM_001278463.2, NM_005690.5, NM_012063.4); c.803A>G, p.Lys268Arg (NM_001278464.2, NM_001278465.2, NM_001330380.2); c.155A>G, p.Lys52Arg (NM_001278466.2); short protein forms K268R, K52R, K255R.
Identifiers: ClinVar variation 3649256 (VCV003649256.2).
Genomic context (GRCh38, chr12:32,720,687, plus strand): 5'-GTTAAGCTGAATAGTTTCGTTATTTTTTCAACCTCAGGAGCCAGCTAGATATTAACAACA[A>G]GAAGAGTGTAACTGATTCAATCCGTGATGAGTATGCTTTTCTTCAAAAGAAATATCCATC-3'
Protein context (NP_036192.2, residues 245-265): VNRSQLDINN[Lys255Arg]KSVTDSIRDE